The following is an entry in ClinVar:

ClinVar aggregate classification (germline): Conflicting classifications of pathogenicity. Review status: criteria provided, conflicting classifications (1 of 4 stars). 7 submissions from 7 submitters: Uncertain significance (1); Benign (6). Last evaluated 2026-05-12.

Conditions:
Connective tissue disorder. Also called: Connective tissue disease. Identifiers: MedGen C0009782, MONDO:0003900.
Multiple epiphyseal dysplasia type 5 (EDM5). Also called: MATN3-Related Multiple Epiphyseal Dysplasia; Microepiphyseal dysplasia, bilateral hereditary. Identifiers: Orphanet 93311, MedGen C1846843, MONDO:0011765, OMIM 607078.

Allele frequency attached by ClinVar (database versions not stated): gnomAD 0.01892; TOPMed 0.01953; 1000 Genomes Project 30x 0.02780; 1000 Genomes Project 0.02796.
gnomAD v4.1: 5,440 of 1,229,312 alleles (0.44%); highest among the groups gnomAD compares: African/African-American, 6.2%; 149 homozygotes.

Submissions (7):

Women's Health and Genetics/Laboratory Corporation of America, LabCorp
Classification: Uncertain significance. Last evaluated: 2026-05-12. Review status: criteria provided, single submitter. Criteria: LabCorp Variant Classification Summary - May 2015. Collection method: clinical testing. Allele origin: germline.

Labcorp Genetics (formerly Invitae), Labcorp
Classification: Benign. Last evaluated: 2026-01-27. Review status: criteria provided, single submitter. Criteria: Invitae Variant Classification Sherloc (09022015). Collection method: clinical testing. Allele origin: germline.

Genome Diagnostics Laboratory, The Hospital for Sick Children
Classification: Benign for Connective tissue disorder. Last evaluated: 2022-02-10. Review status: criteria provided, single submitter. Criteria: ACMG Guidelines, 2015. Collection method: clinical testing. Allele origin: germline.

GeneDx
Classification: Benign. Last evaluated: 2021-05-05. Review status: criteria provided, single submitter. Criteria: GeneDx Variant Classification Process June 2021. Collection method: clinical testing. Allele origin: germline. Affected: yes.

Illumina Laboratory Services, Illumina
Classification: Benign for Multiple epiphyseal dysplasia type 5. Last evaluated: 2018-01-13. Review status: criteria provided, single submitter. Criteria: ICSL Variant Classification Criteria 13 December 2019. Collection method: clinical testing. Allele origin: germline.
Comment: This variant was observed in the ICSL laboratory as part of a predisposition screen in an ostensibly healthy population. It had not been previously curated by ICSL or reported in the Human Gene Mutation Database (HGMD: prior to June 1st, 2018), and was therefore a candidate for classification through an automated scoring system. Utilizing variant allele frequency, disease prevalence and penetrance estimates, and inheritance mode, an automated score was calculated to assess if this variant is too frequent to cause the disease. Based on the score and internal cut-off values, a variant classified as benign is not then subjected to further curation. The score for this variant resulted in a classification of benign for this disease.

Eurofins Ntd Llc (ga)
Classification: Benign. Last evaluated: 2016-06-07. Review status: criteria provided, single submitter. Criteria: EGL Classification Definitions 2015. Collection method: clinical testing. Allele origin: germline. Observed: 2 variant alleles, 2 heterozygotes.

Breakthrough Genomics
Classification: Benign. Review status: criteria provided, single submitter. Criteria: ACMG Guidelines, 2015. Collection method: not provided. Allele origin: germline. Inheritance: Other. Affected: yes.

NM_002381.5(MATN3):c.187T>G (p.Ser63Ala)

Gene: MATN3 (matrilin 3; minus strand). Cytogenetic location: 2p24.1.
Variant type: single nucleotide variant.
Coding change: c.187T>G on transcript NM_002381.5 (MANE Select); coding-DNA position 187, T replaced by G.
Protein change: p.Ser63Ala; replaces serine 63 with alanine.
Molecular consequence: missense variant.
Genome position (GRCh38, 1-based): chr2:20,012,445, A>C on the plus strand (T>G on the coding strand, the complement: MATN3 is on the minus strand). VCF-style: chr2-20012445-A-C. GRCh37 (hg19) VCF-style: chr2-20212206-A-C.
Other names: short protein forms S63A.
Identifiers: ClinVar variation 287871 (VCV000287871.24), dbSNP rs3816644, ClinGen allele CA1544008.